The following is an entry in ClinVar:

NM_001853.4(COL9A3):c.543_551del (p.179PPG[2])

Gene: COL9A3 (collagen type IX alpha 3 chain; plus strand). Cytogenetic location: 20q13.33.
Variant type: Deletion.
Coding change: c.543_551del on transcript NM_001853.4 (MANE Select); coding-DNA positions 543 to 551, 9 bases deleted (TCCCCCAGG; older notation c.543_551delTCCCCCAGG).
Protein change: p.179PPG[2].
Molecular consequence: inframe deletion.
Genome position (GRCh38, 1-based): chr20:62,824,468-62,824,476, TCCCCCAGG deleted; deleting any 9 consecutive bases within chr20:62,824,463-62,824,476 gives the same sequence; the c. name uses the placement nearest the transcript's 3' end. VCF-style (leftmost placement, unchanged base first): chr20-62824462-GCCAGGTCCC-G. GRCh37 (hg19) VCF-style: chr20-61455814-GCCAGGTCCC-G.
Other names: c.543_551delTCCCCCAGG (NM_001853.3).
Identifiers: ClinVar variation 1011975 (VCV001011975.15), dbSNP rs765392378, ClinGen allele CA9949346.

ClinVar aggregate classification (germline): Uncertain significance. Review status: criteria provided, multiple submitters, no conflicts (2 of 4 stars). 5 submissions from 5 submitters: Uncertain significance (5). Last evaluated 2026-08-13.

Conditions:
COL9A3-related disorder. Also called: COL9A3-related condition.

Submissions (5):

PreventionGenetics, part of Exact Sciences
Classification: Uncertain significance for COL9A3-related condition. Last evaluated: 2026-08-13. Review status: criteria provided, single submitter. Criteria: ACMG Guidelines, 2015. Collection method: clinical testing. Allele origin: germline.
Comment: The COL9A3 c.543_551del9 variant is predicted to result in an in-frame deletion (p.Pro185_Gly187del). This variant has been reported in an individual with hearing loss (reported as G181-P183del, Asamura et al. 2005. PubMed ID: 15917166). This variant is present in 0.040% of alleles in individuals of European (Non-Finnish) descent in gnomAD. At this time, the clinical significance of this variant is uncertain due to the absence of conclusive functional and genetic evidence.

Labcorp Genetics (formerly Invitae), Labcorp
Classification: Uncertain significance. Last evaluated: 2026-01-21. Review status: criteria provided, single submitter. Criteria: Invitae Variant Classification Sherloc (09022015). Collection method: clinical testing. Allele origin: germline.
Comment: This variant, c.543_551del, results in the deletion of 3 amino acid(s) of the COL9A3 protein (p.Pro185_Gly187del), but otherwise preserves the integrity of the reading frame. This variant is present in population databases (rs765392378, gnomAD 0.04%). This variant has been observed in individual(s) with clinical features of COL9A3-related conditions (PMID: 15917166, 30413759). This variant is also known as c.541_549del, p.G181_p183del. ClinVar contains an entry for this variant (Variation ID: 1011975). Experimental studies and prediction algorithms are not available or were not evaluated, and the functional significance of this variant is currently unknown. In summary, the available evidence is currently insufficient to determine the role of this variant in disease. Therefore, it has been classified as a Variant of Uncertain Significance.

GeneDx
Classification: Uncertain significance. Last evaluated: 2025-09-16. Review status: criteria provided, single submitter. Criteria: GeneDx Variant Classification Process June 2021. Collection method: clinical testing. Allele origin: germline. Affected: yes.
Comment: Reported in association with hearing loss in published literature (PMID: 15917166, 30413759); In silico analysis supports a deleterious effect on protein structure/function; In-frame deletion of 3 amino acids in a non-repeat region; Also known as p.(G181_P183del) due to alternate nomenclature; This variant is associated with the following publications: (PMID: 30413759, 35241111, 15917166)

Blueprint Genetics
Classification: Uncertain significance. Last evaluated: 2024-10-24. Review status: criteria provided, single submitter. Criteria: ACMG Guidelines, 2015. Collection method: clinical testing. Allele origin: germline.

Women's Health and Genetics/Laboratory Corporation of America, LabCorp
Classification: Uncertain significance. Last evaluated: 2023-03-20. Review status: criteria provided, single submitter. Criteria: LabCorp Variant Classification Summary - May 2015. Collection method: clinical testing. Allele origin: germline.
Comment: Variant summary: COL9A3 c.543_551delTCCCCCAGG (p.Pro185_Gly187del) results in an in-frame deletion that is predicted to remove three amino acids from the encoded protein. The variant allele was found at a frequency of 0.00022 in 228344 control chromosomes (gnomAD). c.543_551delTCCCCCAGG has been reported in the literature in individuals affected with hearing loss, however, without strong evidence for causality (example: Asamura_2005 and Jung_2018). These report(s) do not provide unequivocal conclusions about association of the variant with Epiphyseal Dysplasia, Multiple, 3. To our knowledge, no experimental evidence demonstrating an impact on protein function has been reported. Two clinical diagnostic laboratories have submitted clinical-significance assessments for this variant to ClinVar after 2014 and all classified the variant as uncertain significance. Based on the evidence outlined above, the variant was classified as uncertain significance.

Literature cited by the submitters: PubMed 15917166 (cited by Labcorp Genetics (formerly Invitae), Labcorp and Women's Health and Genetics/Laboratory Corporation of America, LabCorp); PubMed 30413759 (cited by Labcorp Genetics (formerly Invitae), Labcorp and Women's Health and Genetics/Laboratory Corporation of America, LabCorp).